The following is an entry in ClinVar:

NM_020778.5(ALPK3):c.3302G>A (p.Gly1101Asp)

Gene: ALPK3 (alpha kinase 3; plus strand). Cytogenetic location: 15q25.3.
Variant type: single nucleotide variant.
Coding change: c.3302G>A on transcript NM_020778.5 (MANE Select); coding-DNA position 3302, G replaced by A.
Protein change: p.Gly1101Asp; replaces glycine 1101 with aspartic acid.
Molecular consequence: missense variant.
Genome position (GRCh38, 1-based): chr15:84,858,040, G>A. VCF-style: chr15-84858040-G-A. GRCh37 (hg19) VCF-style: chr15-85401271-G-A.
Other names: short protein forms G1101D.
Identifiers: ClinVar variation 1343005 (VCV001343005.16), dbSNP rs201049076, ClinGen allele CA7709598.

ClinVar aggregate classification (germline): Conflicting classifications of pathogenicity. Review status: criteria provided, conflicting classifications (1 of 4 stars). 6 submissions from 6 submitters: Uncertain significance (4); Likely benign (2). Last evaluated 2026-09-21.

Conditions:
ALPK3-related disorder. Also called: ALPK3-related condition.
Cardiovascular phenotype. Identifiers: MedGen CN230736.

Allele frequency attached by ClinVar (database versions not stated): TOPMed 0.00037; gnomAD 0.00029; ESP Exome Variant Server 0.00008; gnomAD exomes 0.00040 and 0.00021; ExAC 0.00014.
gnomAD v4.1: 600 of 1,570,272 alleles (0.038%); highest among the groups gnomAD compares: Non-Finnish European, 0.048%; no homozygotes.

Submissions (6):

Molecular Diagnostic Laboratory for Inherited Cardiovascular Disease, Montreal Heart Institute
Classification: Likely benign. Last evaluated: 2026-09-21. Review status: criteria provided, single submitter. Criteria: ACMG Guidelines, 2015. Collection method: clinical testing. Allele origin: germline. Affected: no.
Comment: BS1;BP1;BP4

PreventionGenetics, part of Exact Sciences
Classification: Uncertain significance for ALPK3-related condition. Last evaluated: 2026-04-15. Review status: criteria provided, single submitter. Criteria: ACMG Guidelines, 2015. Collection method: clinical testing. Allele origin: germline.
Comment: The ALPK3 c.3908G>A variant is predicted to result in the amino acid substitution p.Gly1303Asp. To our knowledge, this variant has not been reported in the literature. This variant is reported in 0.034% of alleles in individuals of European (Non-Finnish) descent in gnomAD. At this time, the clinical significance of this variant is uncertain due to the absence of conclusive functional and genetic evidence.

Labcorp Genetics (formerly Invitae), Labcorp
Classification: Uncertain significance. Last evaluated: 2026-01-19. Review status: criteria provided, single submitter. Criteria: Invitae Variant Classification Sherloc (09022015). Collection method: clinical testing. Allele origin: germline.
Comment: This sequence change replaces glycine, which is neutral and non-polar, with aspartic acid, which is acidic and polar, at codon 1303 of the ALPK3 protein (p.Gly1303Asp). This variant is present in population databases (rs201049076, gnomAD 0.03%). This variant has not been reported in the literature in individuals affected with ALPK3-related conditions. ClinVar contains an entry for this variant (Variation ID: 1343005). Invitae Evidence Modeling of protein sequence and biophysical properties (such as structural, functional, and spatial information, amino acid conservation, physicochemical variation, residue mobility, and thermodynamic stability) indicates that this missense variant is not expected to disrupt ALPK3 protein function with a negative predictive value of 80%. In summary, the available evidence is currently insufficient to determine the role of this variant in disease. Therefore, it has been classified as a Variant of Uncertain Significance.

GeneDx
Classification: Uncertain significance. Last evaluated: 2025-01-30. Review status: criteria provided, single submitter. Criteria: GeneDx Variant Classification Process June 2021. Collection method: clinical testing. Allele origin: germline. Affected: yes.
Comment: Has not been previously published as pathogenic or benign to our knowledge; In silico analysis indicates that this missense variant does not alter protein structure/function

Blueprint Genetics
Classification: Likely benign. Last evaluated: 2024-11-01. Review status: criteria provided, single submitter. Criteria: ACMG Guidelines, 2015. Collection method: clinical testing. Allele origin: germline.

Ambry Genetics
Classification: Uncertain significance for Cardiovascular phenotype. Last evaluated: 2024-03-15. Review status: criteria provided, single submitter. Criteria: Ambry Variant Classification Scheme 2023. Collection method: clinical testing. Allele origin: germline.